The following is an entry in ClinVar:

NM_002662.5(PLD1):c.2890C>T (p.Leu964Phe)

Gene: PLD1 (phospholipase D1; minus strand). Cytogenetic location: 3q26.31.
Variant type: single nucleotide variant.
Coding change: c.2890C>T on transcript NM_002662.5 (MANE Select); coding-DNA position 2890, C replaced by T.
Protein change: p.Leu964Phe; replaces leucine 964 with phenylalanine.
Molecular consequence: missense variant.
Genome position (GRCh38, 1-based): chr3:171,605,409, G>A on the plus strand (C>T on the coding strand, the complement: PLD1 is on the minus strand). VCF-style: chr3-171605409-G-A. GRCh37 (hg19) VCF-style: chr3-171323199-G-A.
Other names: c.2776C>T, p.Leu926Phe (NM_001130081.3); short protein forms L926F, L964F.
Identifiers: ClinVar variation 2420569 (VCV002420569.3), dbSNP rs557980910, ClinGen allele CA2704066.
Genomic context (GRCh38, chr3:171,605,409, plus strand): 5'-TGAAGAATTTGTCACTCACTGGATCCTGAATGTCCTCACTTGGGTCATCAAGATAGCCAA[G>A]GACAACCCTGAAATACAAGTGACCTCCACATTGAGTAACTGAGATAAAGCAGTTTGTTGC-3'
Protein context (NP_002653.1, residues 954-974): GLRLQCFRVV[Leu964Phe]GYLDDPSEDI

ClinVar aggregate classification (germline): Uncertain significance (1 of 4 stars; one submission).

Allele frequency attached by ClinVar (database versions not stated): gnomAD exomes 0.00005; gnomAD 0.00007; ExAC 0.00020.
gnomAD v4.1: 82 of 1,601,250 alleles (0.0051%); highest among the groups gnomAD compares: Admixed American, 0.14%; 1 homozygote.

Submission:

Labcorp Genetics (formerly Invitae), Labcorp
Classification: Uncertain significance. Last evaluated: 2022-01-16. Review status: criteria provided, single submitter. Criteria: Invitae Variant Classification Sherloc (09022015). Collection method: clinical testing. Allele origin: germline.
Comment: This sequence change replaces leucine, which is neutral and non-polar, with phenylalanine, which is neutral and non-polar, at codon 964 of the PLD1 protein (p.Leu964Phe). This variant is present in population databases (rs557980910, gnomAD 0.2%). This variant has not been reported in the literature in individuals affected with PLD1-related conditions. Algorithms developed to predict the effect of missense changes on protein structure and function are either unavailable or do not agree on the potential impact of this missense change (SIFT: "Deleterious"; PolyPhen-2: "Benign"; Align-GVGD: "Class C0"). In summary, the available evidence is currently insufficient to determine the role of this variant in disease. Therefore, it has been classified as a Variant of Uncertain Significance.